The following is an entry in ClinVar:

NC_000005.10:g.112707431T>A

Gene: APC (APC regulator of Wnt signaling pathway; plus strand). Cytogenetic location: 5q22.2.
Variant type: single nucleotide variant.
Genome position: GRCh38 VCF-style: chr5-112707431-T-A. GRCh37 (hg19) VCF-style: chr5-112043128-T-A.
Identifiers: ClinVar variation 650379 (VCV000650379.9), dbSNP rs532048458, ClinGen allele CA124924652.

ClinVar aggregate classification (germline): Uncertain significance (1 of 4 stars; one submission).

Conditions:
Familial adenomatous polyposis 1 (FAP1). Also called: FAMILIAL ADENOMATOUS POLYPOSIS 1, ATTENUATED; POLYPOSIS, ADENOMATOUS INTESTINAL. Identifiers: MedGen C2713442, MONDO:0021056, OMIM 175100. Disease mechanism: loss of function.

Allele frequency attached by ClinVar (database versions not stated): TOPMed 0.00001; gnomAD exomes 0.00001.

Submission:

Labcorp Genetics (formerly Invitae), Labcorp
Classification: Uncertain significance for Familial adenomatous polyposis 1. Last evaluated: 2025-08-06. Review status: criteria provided, single submitter. Criteria: Invitae Variant Classification Sherloc (09022015). Collection method: clinical testing. Allele origin: germline.
Comment: This variant occurs in a non-coding region of the APC gene. It does not change the encoded amino acid sequence of the APC protein. This variant is not present in population databases (gnomAD no frequency). This variant has not been reported in the literature in individuals affected with APC-related conditions. ClinVar contains an entry for this variant (Variation ID: 650379). Experimental studies and prediction algorithms are not available or were not evaluated, and the functional significance of this variant is currently unknown. In summary, the available evidence is currently insufficient to determine the role of this variant in disease. Therefore, it has been classified as a Variant of Uncertain Significance.